The following is an entry in ClinVar:

NM_001282684.2(KCTD17):c.255C>G (p.Leu85=)

Gene: KCTD17 (potassium channel tetramerization domain containing 17; plus strand). Cytogenetic location: 22q12.3.
Variant type: single nucleotide variant.
Coding change: c.255C>G on transcript NM_001282684.2 (MANE Select); coding-DNA position 255, C replaced by G.
Protein change: p.Leu85=; no amino-acid change (leucine 85 retained).
Molecular consequence: synonymous variant.
Genome position (GRCh38, 1-based): chr22:37,053,165, C>G. VCF-style: chr22-37053165-C-G. GRCh37 (hg19) VCF-style: chr22-37449205-C-G.
Other names: c.255C>G, p.Leu85= (NM_001282685.2, NM_001282686.2, NM_024681.4).
Identifiers: ClinVar variation 1572806 (VCV001572806.12), dbSNP rs147970401, ClinGen allele CA10214975.

ClinVar aggregate classification (germline): Likely benign. Review status: criteria provided, multiple submitters, no conflicts (2 of 4 stars). 2 submissions from 2 submitters: Likely benign (2). Last evaluated 2026-02-01.

Conditions:
Myoclonic dystonia 26. Identifiers: MedGen C4225341, MONDO:0014620, OMIM 616398.

Allele frequency attached by ClinVar (database versions not stated): gnomAD 0.00001; TOPMed 0.00001; ExAC 0.00003; ESP Exome Variant Server 0.00008.
gnomAD v4.1: 48 of 1,606,206 alleles (0.003%); highest among the groups gnomAD compares: Non-Finnish European, 0.0038%; no homozygotes.

Submissions (2):

CeGaT Center for Human Genetics Tuebingen
Classification: Likely benign. Last evaluated: 2026-02-01. Review status: criteria provided, single submitter. Criteria: CeGaT Center For Human Genetics Tuebingen Variant Classification Criteria Version 2. Collection method: clinical testing. Allele origin: germline. Affected: yes. Observed: 1 variant allele.
Comment: KCTD17: BP4, BP7

Labcorp Genetics (formerly Invitae), Labcorp
Classification: Likely benign for Myoclonic dystonia 26. Last evaluated: 2021-10-19. Review status: criteria provided, single submitter. Criteria: Invitae Variant Classification Sherloc (09022015). Collection method: clinical testing. Allele origin: germline.